The following is an entry in ClinVar:

NM_004385.5(VCAN):c.4249G>A (p.Val1417Ile)

Genes: VCAN (versican; plus strand), VCAN-AS1 (VCAN antisense RNA 1; minus strand). Cytogenetic location: 5q14.3.
Variant type: single nucleotide variant.
Coding change: c.4249G>A on transcript NM_004385.5 (MANE Select); coding-DNA position 4249, G replaced by A.
Protein change: p.Val1417Ile; replaces valine 1417 with isoleucine.
Molecular consequence: missense variant. On other transcripts: intron variant (2).
Genome position (GRCh38, 1-based): chr5:83,537,252, G>A. VCF-style: chr5-83537252-G-A. GRCh37 (hg19) VCF-style: chr5-82833071-G-A.
Other names: c.1288G>A, p.Val430Ile (NM_001164097.2); c.4004-8285G>A (NM_001164098.2); c.1043-8285G>A (NM_001126336.3); short protein forms V1417I, V430I.
Identifiers: ClinVar variation 1433817 (VCV001433817.7), dbSNP rs777912240, ClinGen allele CA3333139.

ClinVar aggregate classification (germline): Uncertain significance. Review status: criteria provided, multiple submitters, no conflicts (2 of 4 stars). 2 submissions from 2 submitters: Uncertain significance (2). Last evaluated 2025-11-18.

Allele frequency attached by ClinVar (database versions not stated): ExAC 0.00001; gnomAD 0.00001; TOPMed 0.00001; gnomAD exomes 0.00002.
gnomAD v4.1: 24 of 1,613,790 alleles (0.0015%); highest among the groups gnomAD compares: Middle Eastern, 0.033%; no homozygotes.

Submissions (2):

Labcorp Genetics (formerly Invitae), Labcorp
Classification: Uncertain significance. Last evaluated: 2025-11-18. Review status: criteria provided, single submitter. Criteria: Invitae Variant Classification Sherloc (09022015). Collection method: clinical testing. Allele origin: germline.
Comment: This sequence change replaces valine, which is neutral and non-polar, with isoleucine, which is neutral and non-polar, at codon 1417 of the VCAN protein (p.Val1417Ile). This variant is present in population databases (rs777912240, gnomAD 0.006%). This missense change has been observed in individual(s) with VCAN-related conditions (PMID: 27058611). ClinVar contains an entry for this variant (Variation ID: 1433817). An algorithm developed to predict the effect of missense changes on protein structure and function (PolyPhen-2) suggests that this variant is likely to be disruptive. In summary, the available evidence is currently insufficient to determine the role of this variant in disease. Therefore, it has been classified as a Variant of Uncertain Significance.

Blueprint Genetics
Classification: Uncertain significance. Last evaluated: 2024-10-10. Review status: criteria provided, single submitter. Criteria: ACMG Guidelines, 2015. Collection method: clinical testing. Allele origin: germline.

Literature cited by the submitters: PubMed 27058611 (cited by Labcorp Genetics (formerly Invitae), Labcorp).